The following is an entry in ClinVar:

NM_001372.4(DNAH9):c.364T>G (p.Cys122Gly)

Gene: DNAH9 (dynein axonemal heavy chain 9; plus strand). Cytogenetic location: 17p12.
Variant type: single nucleotide variant.
Coding change: c.364T>G on transcript NM_001372.4 (MANE Select); coding-DNA position 364, T replaced by G.
Protein change: p.Cys122Gly; replaces cysteine 122 with glycine.
Molecular consequence: missense variant.
Genome position (GRCh38, 1-based): chr17:11,598,862, T>G. VCF-style: chr17-11598862-T-G. GRCh37 (hg19) VCF-style: chr17-11502179-T-G.
Other names: short protein forms C122G.
Identifiers: ClinVar variation 1914884 (VCV001914884.2), dbSNP rs985822221, ClinGen allele CA287796872.

ClinVar aggregate classification (germline): Uncertain significance (1 of 4 stars; one submission).

Allele frequency attached by ClinVar (database versions not stated): TOPMed below 0.00001; gnomAD 0.00001.
gnomAD v4.1: 26 of 1,539,392 alleles (0.0017%); highest among the groups gnomAD compares: Non-Finnish European, 0.0022%; no homozygotes.

Submission:

Labcorp Genetics (formerly Invitae), Labcorp
Classification: Uncertain significance. Last evaluated: 2022-02-12. Review status: criteria provided, single submitter. Criteria: Invitae Variant Classification Sherloc (09022015). Collection method: clinical testing. Allele origin: germline.
Comment: This sequence change replaces cysteine, which is neutral and slightly polar, with glycine, which is neutral and non-polar, at codon 122 of the DNAH9 protein (p.Cys122Gly). The frequency data for this variant in the population databases is considered unreliable, as metrics indicate poor data quality at this position in the gnomAD database. This variant has not been reported in the literature in individuals affected with DNAH9-related conditions. Algorithms developed to predict the effect of missense changes on protein structure and function (SIFT, PolyPhen-2, Align-GVGD) all suggest that this variant is likely to be tolerated. In summary, the available evidence is currently insufficient to determine the role of this variant in disease. Therefore, it has been classified as a Variant of Uncertain Significance.